The following is an entry in ClinVar:

ClinVar aggregate classification (germline): Uncertain significance (1 of 4 stars; one submission).

Conditions:
Combined oxidative phosphorylation defect type 17. Also called: Combined oxidative phosphorylation deficiency 17. Identifiers: Orphanet 369913, MedGen C3809526, MONDO:0014190, OMIM 615440.

Allele frequency attached by ClinVar (database versions not stated): ExAC 0.00001; gnomAD exomes 0.00001; TOPMed 0.00001.
gnomAD v4.1: 14 of 1,614,210 alleles (0.00087%); highest among the groups gnomAD compares: East Asian, 0.0022%; no homozygotes.

Submission:

Labcorp Genetics (formerly Invitae), Labcorp
Classification: Uncertain significance for Combined oxidative phosphorylation defect type 17. Last evaluated: 2021-10-04. Review status: criteria provided, single submitter. Criteria: Invitae Variant Classification Sherloc (09022015). Collection method: clinical testing. Allele origin: germline.
Comment: This sequence change replaces valine with methionine at codon 711 of the ELAC2 protein (p.Val711Met). The valine residue is highly conserved and there is a small physicochemical difference between valine and methionine. This variant is present in population databases (rs560136994, ExAC 0.001%). This variant has not been reported in the literature in individuals affected with ELAC2-related conditions. Algorithms developed to predict the effect of missense changes on protein structure and function are either unavailable or do not agree on the potential impact of this missense change (SIFT: "Deleterious"; PolyPhen-2: "Probably Damaging"; Align-GVGD: "Class C0"). In summary, the available evidence is currently insufficient to determine the role of this variant in disease. Therefore, it has been classified as a Variant of Uncertain Significance.

NM_018127.7(ELAC2):c.2131G>A (p.Val711Met)

Gene: ELAC2 (elaC ribonuclease Z 2; minus strand). Cytogenetic location: 17p12.
Variant type: single nucleotide variant.
Coding change: c.2131G>A on transcript NM_018127.7 (MANE Select); coding-DNA position 2131, G replaced by A.
Protein change: p.Val711Met; replaces valine 711 with methionine.
Molecular consequence: missense variant.
Genome position (GRCh38, 1-based): chr17:12,993,809, C>T on the plus strand (G>A on the coding strand, the complement: ELAC2 is on the minus strand). VCF-style: chr17-12993809-C-T. GRCh37 (hg19) VCF-style: chr17-12897126-C-T.
Other names: c.2011G>A, p.Val671Met (NM_001165962.2); c.2128G>A, p.Val710Met (NM_173717.2); short protein forms V671M, V711M, V710M.
Identifiers: ClinVar variation 1415079 (VCV001415079.3), dbSNP rs560136994, ClinGen allele CA8400908.